The following is an entry in ClinVar:

NM_004473.4(FOXE1):c.9C>T (p.Ala3=)

Gene: FOXE1 (forkhead box E1; plus strand). Cytogenetic location: 9q22.33.
Variant type: single nucleotide variant.
Coding change: c.9C>T on transcript NM_004473.4 (MANE Select); coding-DNA position 9, C replaced by T.
Protein change: p.Ala3=; no amino-acid change (alanine 3 retained).
Molecular consequence: synonymous variant.
Genome position (GRCh38, 1-based): chr9:97,853,923, C>T. VCF-style: chr9-97853923-C-T. GRCh37 (hg19) VCF-style: chr9-100616205-C-T.
Identifiers: ClinVar variation 4821407 (VCV004821407.5).

ClinVar aggregate classification (germline): Likely benign. Review status: criteria provided, multiple submitters, no conflicts (2 of 4 stars). 2 submissions from 2 submitters: Likely benign (2). Last evaluated 2026-02-01.

Submissions (2):

CeGaT Center for Human Genetics Tuebingen
Classification: Likely benign. Last evaluated: 2026-02-01. Review status: criteria provided, single submitter. Criteria: CeGaT Center For Human Genetics Tuebingen Variant Classification Criteria Version 2. Collection method: clinical testing. Allele origin: germline. Affected: yes. Observed: 1 variant allele.
Comment: FOXE1: BP4, BP7

Blueprint Genetics
Classification: Likely benign. Last evaluated: 2024-11-26. Review status: criteria provided, single submitter. Criteria: ACMG Guidelines, 2015. Collection method: clinical testing. Allele origin: germline.